The following is an entry in ClinVar:

ClinVar aggregate classification (germline): Likely pathogenic (1 of 4 stars; one submission).

Conditions:
Hereditary cancer-predisposing syndrome. Also called: Tumor predisposition; Hereditary neoplastic syndrome; Hereditary Cancer Syndrome; Neoplastic Syndromes, Hereditary. Identifiers: Orphanet 140162, MedGen C0027672, MeSH D009386, MONDO:0015356.

Submission:

Ambry Genetics
Classification: Likely pathogenic for Hereditary cancer-predisposing syndrome. Last evaluated: 2025-06-13. Review status: criteria provided, single submitter. Criteria: Ambry Variant Classification Scheme 2023. Collection method: clinical testing. Allele origin: germline.
Comment: The c.4027delT variant, located in coding exon 15 of the APC gene, results from a deletion of one nucleotide at nucleotide position 4027, causing a translational frameshift with a predicted alternate stop codon (p.S1343Lfs*72). This alteration occurs at the 3' terminus of theAPC gene, is not expected to trigger nonsense-mediated mRNA decay, and impacts the last 53% of the protein. However, premature stop codons are typically deleterious in nature and a significant portion of the protein is affected (Ambry internal data). This variant is considered to be rare based on population cohorts in the Genome Aggregation Database (gnomAD). Based on the majority of available evidence to date, this variant is likely to be pathogenic.

NM_000038.6(APC):c.4027del (p.Ser1343fs)

Gene: APC (APC regulator of Wnt signaling pathway; plus strand). Cytogenetic location: 5q22.2.
Variant type: Deletion.
Coding change: c.4027del on transcript NM_000038.6 (MANE Select); coding-DNA position 4027, one base deleted (T; older notation c.4027delT).
Protein change: p.Ser1343fs; shifts the reading frame from serine 1343.
Molecular consequence: frameshift variant. On other transcripts: non-coding transcript variant (2).
Genome position (GRCh38, 1-based): chr5:112,839,621, T deleted. VCF-style (leftmost placement, unchanged base first): chr5-112839620-AT-A. GRCh37 (hg19) VCF-style: chr5-112175317-AT-A.
Other names: c.4027del, p.Ser1343fs (NM_001127510.3, NM_001354895.2, NM_001407450.1); c.3973del, p.Ser1325fs (NM_001127511.3); c.4081del, p.Ser1361fs (NM_001354896.2, NM_001407447.1, NM_001407448.1 and 1 more transcripts); c.4057del, p.Ser1353fs (NM_001354897.2); c.3952del, p.Ser1318fs (NM_001354898.2); c.3943del, p.Ser1315fs (NM_001354899.2); c.3904del, p.Ser1302fs (NM_001354900.2); c.3850del, p.Ser1284fs (NM_001354901.2, NM_001407453.1); and 11 more; short protein forms S1252fs, S1260fs, S1353fs, S1361fs, S959fs, S1060fs, S1214fs, S1284fs.
Identifiers: ClinVar variation 3930026 (VCV003930026.1).